The following is an entry in ClinVar:

ClinVar aggregate classification (germline): Uncertain significance (1 of 4 stars; one submission).

Conditions:
Neuropathy, hereditary sensory, type 2C. Also called: KIF1A-Related HSAN2 (HSAN2C); Hereditary sensory and autonomic neuropathy type IIC. Identifiers: Orphanet 970, MedGen C3280168, MONDO:0013634, OMIM 614213.
Hereditary spastic paraplegia 30. Identifiers: Orphanet 101010, MedGen C5235139, MONDO:0012476.
Intellectual disability, autosomal dominant 9 (NESCAVS). Also called: NESCAV SYNDROME; KIF1A-Related Neurodevelopmental Disorder. Identifiers: Orphanet 662367, MedGen C5393830, MONDO:0013656, OMIM 614255.

Submission:

Labcorp Genetics (formerly Invitae), Labcorp
Classification: Uncertain significance for Hereditary spastic paraplegia 30; Neuropathy, hereditary sensory, type 2C; Intellectual disability, autosomal dominant 9. Last evaluated: 2024-05-15. Review status: criteria provided, single submitter. Criteria: Invitae Variant Classification Sherloc (09022015). Collection method: clinical testing. Allele origin: germline.
Comment: This sequence change replaces arginine, which is basic and polar, with threonine, which is neutral and polar, at codon 1683 of the KIF1A protein (p.Arg1683Thr). This variant is not present in population databases (gnomAD no frequency). This variant has not been reported in the literature in individuals affected with KIF1A-related conditions. Advanced modeling of protein sequence and biophysical properties (such as structural, functional, and spatial information, amino acid conservation, physicochemical variation, residue mobility, and thermodynamic stability) performed at Invitae indicates that this missense variant is not expected to disrupt KIF1A protein function with a negative predictive value of 95%. In summary, the available evidence is currently insufficient to determine the role of this variant in disease. Therefore, it has been classified as a Variant of Uncertain Significance.

NM_001244008.2(KIF1A):c.5351G>C (p.Arg1784Thr)

Gene: KIF1A (kinesin family member 1A; minus strand). Cytogenetic location: 2q37.3.
Variant type: single nucleotide variant.
Coding change: c.5351G>C on transcript NM_001244008.2 (MANE Select); coding-DNA position 5351, G replaced by C.
Protein change: p.Arg1784Thr; replaces arginine 1784 with threonine.
Molecular consequence: missense variant.
Genome position (GRCh38, 1-based): chr2:240,717,389, C>G on the plus strand (G>C on the coding strand, the complement: KIF1A is on the minus strand). VCF-style: chr2-240717389-C-G. GRCh37 (hg19) VCF-style: chr2-241656806-C-G.
Other names: c.5075G>C, p.Arg1692Thr (NM_001320705.2, NM_001379649.1); c.5102G>C, p.Arg1701Thr (NM_001330289.2); c.5150G>C, p.Arg1717Thr (NM_001330290.2, NM_001379648.1); c.5426G>C, p.Arg1809Thr (NM_001379631.1); c.5327G>C, p.Arg1776Thr (NM_001379632.1); c.5324G>C, p.Arg1775Thr (NM_001379633.1, NM_001379645.1); c.5177G>C, p.Arg1726Thr (NM_001379634.1); c.5174G>C, p.Arg1725Thr (NM_001379635.1, NM_001379646.1); and 8 more; short protein forms R1682T, R1683T, R1691T, R1701T, R1721T, R1725T, R1775T, R1809T.
Identifiers: ClinVar variation 2939851 (VCV002939851.3), dbSNP rs2536550826, ClinGen allele CA351297255.